The following is an entry in ClinVar:

ClinVar aggregate classification (germline): Uncertain significance (1 of 4 stars; one submission).

Submission:

Labcorp Genetics (formerly Invitae), Labcorp
Classification: Uncertain significance. Last evaluated: 2024-12-22. Review status: criteria provided, single submitter. Criteria: Invitae Variant Classification Sherloc (09022015). Collection method: clinical testing. Allele origin: germline.
Comment: This sequence change replaces threonine, which is neutral and polar, with isoleucine, which is neutral and non-polar, at codon 480 of the ZNF687 protein (p.Thr480Ile). This variant is not present in population databases (gnomAD no frequency). This variant has not been reported in the literature in individuals affected with ZNF687-related conditions. An algorithm developed to predict the effect of missense changes on protein structure and function (PolyPhen-2) suggests that this variant is likely to be tolerated. In summary, the available evidence is currently insufficient to determine the role of this variant in disease. Therefore, it has been classified as a Variant of Uncertain Significance.

NM_020832.3(ZNF687):c.1439C>T (p.Thr480Ile)

Gene: ZNF687 (zinc finger protein 687; plus strand). Cytogenetic location: 1q21.3.
Variant type: single nucleotide variant.
Coding change: c.1439C>T on transcript NM_020832.3 (MANE Select); coding-DNA position 1439, C replaced by T.
Protein change: p.Thr480Ile; replaces threonine 480 with isoleucine.
Molecular consequence: missense variant.
Genome position (GRCh38, 1-based): chr1:151,287,730, C>T. VCF-style: chr1-151287730-C-T. GRCh37 (hg19) VCF-style: chr1-151260206-C-T.
Other names: c.1439C>T, p.Thr480Ile (NM_001304763.2, NM_001304764.2); short protein forms T480I.
Identifiers: ClinVar variation 3679565 (VCV003679565.2).